The following is an entry in ClinVar:

ClinVar aggregate classification (germline): Uncertain significance (1 of 4 stars; one submission).

Conditions:
Cardiovascular phenotype. Identifiers: MedGen CN230736.

Submission:

Ambry Genetics
Classification: Uncertain significance for Cardiovascular phenotype. Last evaluated: 2023-04-19. Review status: criteria provided, single submitter. Criteria: Ambry Variant Classification Scheme 2023. Collection method: clinical testing. Allele origin: germline.
Comment: The p.Q221R variant (also known as c.662A>G), located in coding exon 5 of the GLA gene, results from an A to G substitution at nucleotide position 662. The glutamine at codon 221 is replaced by arginine, an amino acid with highly similar properties. This amino acid position is poorly conserved in available vertebrate species. In addition, this alteration is predicted to be tolerated by in silico analysis. Since supporting evidence is limited at this time, the clinical significance of this alteration remains unclear.

NM_000169.3(GLA):c.662A>G (p.Gln221Arg)

Genes: GLA (galactosidase alpha; minus strand), RPL36A-HNRNPH2 (RPL36A-HNRNPH2 readthrough; plus strand). Cytogenetic location: Xq22.1.
Variant type: single nucleotide variant.
Coding change: c.662A>G on transcript NM_000169.3 (MANE Select); coding-DNA position 662, A replaced by G.
Protein change: p.Gln221Arg; replaces glutamine 221 with arginine.
Molecular consequence: missense variant. On other transcripts: non-coding transcript variant (3), intron variant (2).
Genome position (GRCh38, 1-based): chrX:101,398,924, T>C on the plus strand (A>G on the coding strand, the complement: GLA is on the minus strand). VCF-style: chrX-101398924-T-C. GRCh37 (hg19) VCF-style: chrX-100653912-T-C.
Other names: c.785A>G, p.Gln262Arg (NM_001406747.1); c.662A>G, p.Gln221Arg (NM_001406748.1); c.300+3467T>C (NM_001199973.2); c.177+7102T>C (NM_001199974.2); short protein forms Q221R, Q262R.
Identifiers: ClinVar variation 2568397 (VCV002568397.2), dbSNP rs2520872143, ClinGen allele CA413925044.